The following is an entry in ClinVar:

NM_004208.4(AIFM1):c.1593G>A (p.Glu531=)

Genes: AIFM1 (apoptosis inducing factor mitochondria associated 1; minus strand), RAB33A (RAB33A, member RAS oncogene family; plus strand). Cytogenetic location: Xq26.1.
Variant type: single nucleotide variant.
Coding change: c.1593G>A on transcript NM_004208.4 (MANE Select); coding-DNA position 1593, G replaced by A.
Protein change: p.Glu531=; no amino-acid change (glutamic acid 531 retained).
Molecular consequence: synonymous variant. On other transcripts: 3 prime UTR variant (1), non-coding transcript variant (1).
Genome position (GRCh38, 1-based): chrX:130,130,147, C>T on the plus strand (G>A on the coding strand, the complement: AIFM1 is on the minus strand). VCF-style: chrX-130130147-C-T. GRCh37 (hg19) VCF-style: chrX-129264122-C-T.
Other names: c.1593G>A (NM_004208.3); c.576G>A, p.Glu192= (NM_001130846.4); c.*821G>A (NM_001130847.4); c.1581G>A, p.Glu527= (NM_145812.3).
Identifiers: ClinVar variation 1122269 (VCV001122269.10), dbSNP rs375825554, ClinGen allele CA10515250.

ClinVar aggregate classification (germline): Likely benign. Review status: criteria provided, multiple submitters, no conflicts (2 of 4 stars). 2 submissions from 2 submitters: Likely benign (2). Last evaluated 2026-05-28.

Conditions:
AIFM1-related disorder. Also called: AIFM1-related condition.
Combined oxidative phosphorylation deficiency. Identifiers: MedGen C4540031, MONDO:0000732.
Charcot-Marie-Tooth Neuropathy X. Identifiers: MedGen CN118851.

Allele frequency attached by ClinVar (database versions not stated): gnomAD exomes below 0.00001 and 0.00001; ExAC 0.00001; TOPMed 0.00001; gnomAD 0.00003; ESP Exome Variant Server 0.00009.
gnomAD v4.1: 5 of 1,210,130 alleles (0.00041%); highest among the groups gnomAD compares: Admixed American, 0.0066%; no homozygotes.

Submissions (2):

PreventionGenetics, part of Exact Sciences
Classification: Likely benign for AIFM1-related condition. Last evaluated: 2026-05-28. Review status: criteria provided, single submitter. Criteria: ACMG Guidelines, 2015. Collection method: clinical testing. Allele origin: germline.
Comment: This variant is classified as likely benign based on ACMG/AMP sequence variant interpretation guidelines (Richards et al. 2015 PMID: 25741868, with internal and published modifications).

Labcorp Genetics (formerly Invitae), Labcorp
Classification: Likely benign for Charcot-Marie-Tooth Neuropathy X; Combined oxidative phosphorylation deficiency. Last evaluated: 2025-12-01. Review status: criteria provided, single submitter. Criteria: Invitae Variant Classification Sherloc (09022015). Collection method: clinical testing. Allele origin: germline.